The following is an entry in ClinVar:

NM_001267550.2(TTN):c.20689G>T (p.Glu6897Ter)

Gene: TTN (titin; minus strand). Cytogenetic location: 2q31.2.
Variant type: single nucleotide variant.
Coding change: c.20689G>T on transcript NM_001267550.2 (MANE Select); coding-DNA position 20689, G replaced by T.
Protein change: p.Glu6897Ter; replaces glutamic acid 6897 with a stop codon.
Molecular consequence: nonsense. On other transcripts: intron variant (3).
Genome position (GRCh38, 1-based): chr2:178,725,515, C>A on the plus strand (G>T on the coding strand, the complement: TTN is on the minus strand). VCF-style: chr2-178725515-C-A. GRCh37 (hg19) VCF-style: chr2-179590242-C-A.
Other names: c.19738G>T, p.Glu6580Ter (NM_001256850.1); c.16957G>T, p.Glu5653Ter (NM_133378.4); c.13282+12567G>T (NM_003319.4); c.13858+12567G>T (NM_133437.4); c.13657+12567G>T (NM_133432.3); short protein forms E5653*, E6580*, E6897*.
Identifiers: ClinVar variation 4813685 (VCV004813685.1).

ClinVar aggregate classification (germline): Likely pathogenic (1 of 4 stars; one submission).

Conditions:
Early-onset myopathy with fatal cardiomyopathy (CMYO5). Also called: Salih Myopathy; CONGENITAL MYOPATHY 5 WITH CARDIOMYOPATHY. Identifiers: Orphanet 289377, MedGen C2673677, MONDO:0012714, OMIM 611705. Disease mechanism: loss of function.

Submission:

Institute of Human Genetics, University of Goettingen
Classification: Likely pathogenic for Early-onset myopathy with fatal cardiomyopathy. Last evaluated: 2025-07-15. Review status: criteria provided, single submitter. Criteria: ACMG Guidelines, 2015. Collection method: clinical testing. Allele origin: germline. Inheritance: Autosomal recessive inheritance. Affected: yes.
Comment: The substitution is located in 'NM_001267550.2' exon 58. The variation shows a moderately conserved nucleotide (phyloP: 6.09 [-19.0, 10.9]). Asp 5653 changed by Tyr. Grantham dist: 160 [0-215]. Large physicochemical difference between Asp and Tyr. This variant is in protein domain: Immunoglobulin subtype 2, Immunoglobulin subtype, Immunoglobulin-like domain, Ribonuclease, H-like domain, Immunoglobulin I-set, Armadillo-type fold, P-loop containing nucleoside triphosphate hydrolase. The variation generates a 'Missense' as coding effect. Codon GAT changed to TAT.

Literature cited by the submitters: PubMed 23975875.